The following is an entry in ClinVar:

NM_000548.5(TSC2):c.1213G>C (p.Glu405Gln)

Gene: TSC2 (TSC complex subunit 2; plus strand). Cytogenetic location: 16p13.3.
Variant type: single nucleotide variant.
Coding change: c.1213G>C on transcript NM_000548.5 (MANE Select); coding-DNA position 1213, G replaced by C.
Protein change: p.Glu405Gln; replaces glutamic acid 405 with glutamine.
Molecular consequence: missense variant.
Genome position (GRCh38, 1-based): chr16:2,061,964, G>C. VCF-style: chr16-2061964-G-C. GRCh37 (hg19) VCF-style: chr16-2111965-G-C.
Other names: c.1213G>C, p.Glu405Gln (NM_001077183.3, NM_001114382.3, NM_001363528.2 and 3 more transcripts); c.1102G>C, p.Glu368Gln (NM_001318827.2); c.1066G>C, p.Glu356Gln (NM_001318829.2); c.613G>C, p.Glu205Gln (NM_001318831.2); c.1246G>C, p.Glu416Gln (NM_001318832.2); short protein forms E405Q, E368Q, E356Q, E205Q, E416Q.
Identifiers: ClinVar variation 237961 (VCV000237961.20), dbSNP rs765622787, ClinGen allele CA028805.

ClinVar aggregate classification (germline): Conflicting classifications of pathogenicity. Review status: criteria provided, conflicting classifications (1 of 4 stars). 5 submissions from 5 submitters: Uncertain significance (3); Likely benign (2). Last evaluated 2026-01-31.

Conditions:
Isolated focal cortical dysplasia type II (FCORD2). Also called: Focal cortical dysplasia type II; CORTICAL DYSPLASIA OF TAYLOR. Identifiers: Orphanet 268994, MedGen C1846385, MONDO:0011818, OMIM 607341, HP:0032051.
Tuberous sclerosis 2 (TSC2). Identifiers: Orphanet 805, MedGen C1860707, MONDO:0013199, OMIM 613254.
Lymphangiomyomatosis (LAM). Also called: Lymphangioleiomyomatosis; Lymphangioleiomyomatosis, somatic. Identifiers: Orphanet 538, MedGen C0751674, MONDO:0011705, OMIM 606690.
Hereditary cancer-predisposing syndrome. Also called: Tumor predisposition; Hereditary Cancer Syndrome; Hereditary neoplastic syndrome; Neoplastic Syndromes, Hereditary. Identifiers: Orphanet 140162, MedGen C0027672, MeSH D009386, MONDO:0015356.

Allele frequency attached by ClinVar (database versions not stated): TOPMed below 0.00001; gnomAD 0.00001; gnomAD exomes 0.00001; ExAC 0.00002.
gnomAD v4.1: 73 of 1,614,080 alleles (0.0045%); highest among the groups gnomAD compares: Non-Finnish European, 0.0062%; no homozygotes.

Submissions (5):

Labcorp Genetics (formerly Invitae), Labcorp
Classification: Likely benign for Tuberous sclerosis 2. Last evaluated: 2026-01-31. Review status: criteria provided, single submitter. Criteria: Invitae Variant Classification Sherloc (09022015). Collection method: clinical testing. Allele origin: germline.

St. Jude Molecular Pathology, St. Jude Children's Research Hospital
Classification: Uncertain significance for Tuberous sclerosis 2. Last evaluated: 2024-10-10. Review status: criteria provided, single submitter. Criteria: St. Jude Assertion Criteria 2020. Collection method: clinical testing. Allele origin: germline.
Comment: The TSC2 c.1213G>C (p.Glu405Gln) missense change has a maximum subpopulation frequency of 0.003% in gnomAD v2.1.1. The in silico tool REVEL is inconclusive about a pathogenic or benign effect of this variant on protein function, and functional studies have not been performed. This variant has not been reported in individuals with tuberous sclerosis complex. In summary, the evidence currently available is insufficient to determine the clinical significance of this variant. It has therefore been classified as of uncertain significance.

Fulgent Genetics
Classification: Uncertain significance for Lymphangiomyomatosis; Isolated focal cortical dysplasia type II; Tuberous sclerosis 2. Last evaluated: 2024-06-01. Review status: criteria provided, single submitter. Criteria: ACMG Guidelines, 2015. Collection method: clinical testing. Allele origin: germline.

Ambry Genetics
Classification: Uncertain significance for Hereditary cancer-predisposing syndrome. Last evaluated: 2024-03-04. Review status: criteria provided, single submitter. Criteria: Ambry Variant Classification Scheme 2023. Collection method: clinical testing. Allele origin: germline.
Comment: The p.E405Q variant (also known as c.1213G>C), located in coding exon 11 of the TSC2 gene, results from a G to C substitution at nucleotide position 1213. The glutamic acid at codon 405 is replaced by glutamine, an amino acid with highly similar properties. This amino acid position is well conserved in available vertebrate species. In addition, the in silico prediction for this alteration is inconclusive. Since supporting evidence is limited at this time, the clinical significance of this alteration remains unclear.

Genome-Nilou Lab
Classification: Likely benign for Tuberous sclerosis 2. Last evaluated: 2021-11-07. Review status: criteria provided, single submitter. Criteria: ACMG Guidelines, 2015. Collection method: clinical testing. Allele origin: germline. Affected: no.